The following is an entry in ClinVar:

NM_000489.6(ATRX):c.350C>A (p.Thr117Asn)

Gene: ATRX (ATRX chromatin remodeler; minus strand). Cytogenetic location: Xq21.1.
Variant type: single nucleotide variant.
Coding change: c.350C>A on transcript NM_000489.6 (MANE Select); coding-DNA position 350, C replaced by A.
Protein change: p.Thr117Asn; replaces threonine 117 with asparagine.
Molecular consequence: missense variant.
Genome position (GRCh38, 1-based): chrX:77,696,597, G>T on the plus strand (C>A on the coding strand, the complement: ATRX is on the minus strand). VCF-style: chrX-77696597-G-T. GRCh37 (hg19) VCF-style: chrX-76952085-G-T.
Other names: c.350C>A, p.Thr117Asn (NM_138270.5); short protein forms T117N.
Identifiers: ClinVar variation 3361078 (VCV003361078.1).
Genomic context (GRCh38, chrX:77,696,597, plus strand): 5'-CATTTCAACTTTAACTTCATGAAAAATTAACACACATTACCTTTTGGCAAGCTCTGCATA[G>T]TAATATCATTTTCTGAATTTTCATTAGACGCATCTTCATTTACAGTTTCATCATCCAAAG-3'
Protein context (NP_000480.3, residues 107-127): ASNENSENDI[Thr117Asn]MQSLPKGTVI

ClinVar aggregate classification (germline): Uncertain significance (1 of 4 stars; one submission).

gnomAD v4.1: 1 of 1,206,505 alleles (0.000083%); highest among the groups gnomAD compares: Non-Finnish European, 0.00011%; no homozygotes.

Submission:

GeneDx
Classification: Uncertain significance. Last evaluated: 2024-04-04. Review status: criteria provided, single submitter. Criteria: GeneDx Variant Classification Process June 2021. Collection method: clinical testing. Allele origin: germline. Affected: yes.
Comment: Not observed at significant frequency in large population cohorts (gnomAD); In silico analysis indicates that this missense variant does not alter protein structure/function; Has not been previously published as pathogenic or benign to our knowledge